The following is an entry in ClinVar:

NM_004656.4(BAP1):c.1984-14C>T

Gene: BAP1 (BRCA1 associated deubiquitinase 1; minus strand). Cytogenetic location: 3p21.1.
Variant type: single nucleotide variant.
Coding change: c.1984-14C>T on transcript NM_004656.4 (MANE Select); 14 bases into the intron before coding-DNA position 1984, C replaced by T.
Molecular consequence: intron variant.
Genome position (GRCh38, 1-based): chr3:52,402,688, G>A on the plus strand (C>T on the coding strand, the complement: BAP1 is on the minus strand). VCF-style: chr3-52402688-G-A. GRCh37 (hg19) VCF-style: chr3-52436704-G-A.
Identifiers: ClinVar variation 630784 (VCV000630784.11), dbSNP rs1386648955, ClinGen allele CA543056497.

ClinVar aggregate classification (germline): Likely benign. Review status: criteria provided, multiple submitters, no conflicts (2 of 4 stars). 3 submissions from 3 submitters: Likely benign (3). Last evaluated 2025-10-25.

Conditions:
Hereditary cancer-predisposing syndrome. Also called: Tumor predisposition; Neoplastic Syndromes, Hereditary; Hereditary neoplastic syndrome; Hereditary Cancer Syndrome. Identifiers: Orphanet 140162, MedGen C0027672, MeSH D009386, MONDO:0015356.
BAP1-related tumor predisposition syndrome (TPDS1). Also called: Tumor susceptibility linked to germline BAP1 mutations; BAP1 tumor predisposition syndrome; COMMON Syndrome; TUMOR PREDISPOSITION SYNDROME 1. Identifiers: Orphanet 289539, MedGen C3280492, MONDO:0013692, OMIM 614327.

Allele frequency attached by ClinVar (database versions not stated): gnomAD 0.00001; TOPMed 0.00001.

Submissions (3):

Labcorp Genetics (formerly Invitae), Labcorp
Classification: Likely benign for BAP1-related tumor predisposition syndrome. Last evaluated: 2025-10-25. Review status: criteria provided, single submitter. Criteria: Invitae Variant Classification Sherloc (09022015). Collection method: clinical testing. Allele origin: germline.

Myriad Genetics, Inc.
Classification: Likely benign for BAP1-related tumor predisposition syndrome. Last evaluated: 2024-07-17. Review status: criteria provided, single submitter. Criteria: Myriad Autosomal Dominant, Autosomal Recessive and X-Linked Classification Criteria (2023). Collection method: clinical testing. Allele origin: unknown.
Comment: This variant is considered likely benign. This variant is intronic and is not expected to impact mRNA splicing.

Color Diagnostics, LLC DBA Color Health
Classification: Likely benign for Hereditary cancer-predisposing syndrome. Last evaluated: 2017-11-13. Review status: criteria provided, single submitter. Criteria: ACMG Guidelines, 2015. Collection method: clinical testing. Allele origin: germline.